The following is an entry in ClinVar:

NM_000046.5(ARSB):c.91TTG[1] (p.Leu32del)

Genes: ARSB (arylsulfatase B; minus strand), LOC129994126 (ATAC-STARR-seq lymphoblastoid silent region 16127; plus strand). Cytogenetic location: 5q14.1.
Variant type: Microsatellite.
Coding change: c.91TTG[1] on transcript NM_000046.5 (MANE Select); one copy of the 3-base unit TTG starting at c.91; the reference has two copies in a row; one copy, 3 bases deleted; also written c.94_96del.
Protein change: p.Leu32del; deletes leucine 32.
Molecular consequence: inframe deletion.
Genome position (GRCh38, 1-based): chr5:78,985,153-78,985,155, CAA deleted on the plus strand (TTG on the coding strand, the reverse complement: ARSB is on the minus strand); deleting any 3 consecutive bases within chr5:78,985,153-78,985,160 gives the same sequence; the position shown is the placement nearest the transcript's 3' end. VCF-style (leftmost placement, unchanged base first): chr5-78985152-CCAA-C. GRCh37 (hg19) VCF-style: chr5-78280975-CCAA-C.
Other names: p.Leu32del; c.91TTG[1], p.Leu32del (NM_198709.3); c.94_96del (NM_000046.5); c.94_96delTTG (NM_000046.5); short protein forms L32del.
Identifiers: ClinVar variation 648449 (VCV000648449.9), dbSNP rs535493472, ClinGen allele CA3318361.

ClinVar aggregate classification (germline): Uncertain significance. Review status: criteria provided, multiple submitters, no conflicts (2 of 4 stars). 6 submissions from 6 submitters: Uncertain significance (5). 1 of the submissions does not count toward it. Last evaluated 2025-10-28.

Conditions:
Mucopolysaccharidosis type 6 (MPS6). Also called: MPS VI; N-ACETYLGALACTOSAMINE-4-SULFATASE DEFICIENCY; MPS 6; Maroteaux Lamy syndrome; ARSB DEFICIENCY; ARYLSULFATASE B DEFICIENCY. Identifiers: Orphanet 583, MedGen C0026709, MONDO:0009661, OMIM 253200.

Submissions (6):

Women's Health and Genetics/Laboratory Corporation of America, LabCorp
Classification: Uncertain significance. Last evaluated: 2025-10-28. Review status: criteria provided, single submitter. Criteria: LabCorp Variant Classification Summary - May 2015. Collection method: clinical testing. Allele origin: germline.
Comment: Variant summary: ARSB c.94_96delTTG (p.Leu32del) results in an in-frame deletion that is predicted to remove 1 amino acid from the encoded protein. The variant allele was found at a frequency of 0.0001 in 105566 control chromosomes. This frequency is not significantly higher than estimated for disease-causing variants in ARSB, allowing no conclusion about variant significance. To our knowledge, no occurrence of c.94_96delTTG in individuals affected with ARSB-related conditions and no experimental evidence demonstrating its impact on protein function have been reported. ClinVar contains an entry for this variant (Variation ID: 648449). Based on the evidence outlined above, the variant was classified as uncertain significance.

Mayo Clinic Laboratories, Mayo Clinic
Classification: Uncertain significance. Last evaluated: 2024-07-24. Review status: criteria provided, single submitter. Criteria: ACMG Guidelines, 2015. Collection method: clinical testing. Allele origin: germline. Observed: 1 variant allele.
Comment: PM2

Labcorp Genetics (formerly Invitae), Labcorp
Classification: Uncertain significance for Mucopolysaccharidosis type 6. Last evaluated: 2022-10-13. Review status: criteria provided, single submitter. Criteria: Invitae Variant Classification Sherloc (09022015). Collection method: clinical testing. Allele origin: germline.
Comment: This variant, c.94_96del, results in the deletion of 1 amino acid(s) of the ARSB protein (p.Leu32del), but otherwise preserves the integrity of the reading frame. This variant is present in population databases (rs535493472, gnomAD 0.02%). This variant has not been reported in the literature in individuals affected with ARSB-related conditions. ClinVar contains an entry for this variant (Variation ID: 648449). Experimental studies and prediction algorithms are not available or were not evaluated, and the functional significance of this variant is currently unknown. In summary, the available evidence is currently insufficient to determine the role of this variant in disease. Therefore, it has been classified as a Variant of Uncertain Significance.

Fulgent Genetics
Classification: Uncertain significance for Mucopolysaccharidosis type 6. Last evaluated: 2021-07-07. Review status: criteria provided, single submitter. Criteria: ACMG Guidelines, 2015. Collection method: clinical testing. Allele origin: unknown.

Knight Diagnostic Laboratories, Oregon Health and Sciences University
Classification: Uncertain significance for Mucopolysaccharidosis type VI (Maroteaux-Lamy). Last evaluated: 2019-02-22. Review status: criteria provided, single submitter. Criteria: ACMG Guidelines, 2015. Collection method: clinical testing. Allele origin: germline. Observed: 1 variant allele.

Natera, Inc.
Classification: Uncertain significance for Mucopolysaccharidosis type VI. Last evaluated: 2020-09-16. Review status: no assertion criteria provided. Collection method: clinical testing. Allele origin: germline. Not counted in ClinVar's aggregate classification.